The following is an entry in ClinVar:

ClinVar aggregate classification (germline): Benign (0 of 4 stars; one submission).

Conditions:
CAPN12-related disorder. Also called: CAPN12-related condition.

Submission:

PreventionGenetics, part of Exact Sciences
Classification: Benign for CAPN12-related condition. Last evaluated: 2019-02-22. Review status: no assertion criteria provided. Collection method: clinical testing. Allele origin: germline.
Comment: This variant is classified as benign based on ACMG/AMP sequence variant interpretation guidelines (Richards et al. 2015 PMID: 25741868, with internal and published modifications).

NM_144691.4(CAPN12):c.1957+6dup

Gene: CAPN12 (calpain 12; minus strand). Cytogenetic location: 19q13.2.
Variant type: Duplication.
Coding change: c.1957+6dup on transcript NM_144691.4 (MANE Select); 6 bases into the intron after coding-DNA position 1957, one base duplicated (G; older notation c.1957+6dupG).
Molecular consequence: intron variant.
Genome position (GRCh38, 1-based): chr19:38,733,697, C duplicated on the plus strand (G on the coding strand, the reverse complement: CAPN12 is on the minus strand); the first of 2 consecutive C bases (chr19:38,733,697-38,733,698); duplicating either gives the same sequence. VCF-style (leftmost placement, unchanged base first): chr19-38733696-T-TC. GRCh37 (hg19) VCF-style: chr19-39224336-T-TC.
Other names: c.1957+6dupG (NM_144691.4).
Identifiers: ClinVar variation 3043045 (VCV003043045.2), dbSNP rs569657883, ClinGen allele CA9418336.
Genomic context (GRCh38, chr19:38,733,696, plus strand): 5'-CTTGGAGACAATGGGATGGGAGAGAACAGGTCCTGTCCCCACGACCACCCCAGGACCCTG[T>TC]CCACACCTGCTGCATTCAGTGCCAGCCTCAGCTCGTAGGAGTTCATGGTTCCAGAGGTGT-3'